The following is an entry in ClinVar:

NM_152564.5(VPS13B):c.11885C>G (p.Pro3962Arg)

Gene: VPS13B (vacuolar protein sorting 13 homolog B; plus strand). Cytogenetic location: 8q22.2.
Variant type: single nucleotide variant.
Coding change: c.11885C>G on transcript NM_152564.5 (MANE Select); coding-DNA position 11885, C replaced by G.
Protein change: p.Pro3962Arg; replaces proline 3962 with arginine.
Molecular consequence: missense variant.
Genome position (GRCh38, 1-based): chr8:99,875,557, C>G. VCF-style: chr8-99875557-C-G. GRCh37 (hg19) VCF-style: chr8-100887785-C-G.
Other names: c.11960C>G, p.Pro3987Arg (NM_017890.5); c.11885C>G (NM_152564.4); short protein forms P3962R, P3987R.
Identifiers: ClinVar variation 626049 (VCV000626049.16), dbSNP rs531619892, ClinGen allele CA4825367.

ClinVar aggregate classification (germline): Uncertain significance. Review status: criteria provided, multiple submitters, no conflicts (2 of 4 stars). 6 submissions from 6 submitters: Uncertain significance (5). 1 of the submissions does not count toward it. Last evaluated 2026-02-11.

Conditions:
VPS13B-related disorder. Also called: VPS13B-related condition.
Cohen syndrome (COH1). Also called: Cutis verticis gyrata, retinitis pigmentosa, and sensorineural deafness; PEPPER SYNDROME. Identifiers: Orphanet 193, MedGen C0265223, MONDO:0008999, OMIM 216550.

Allele frequency attached by ClinVar (database versions not stated): TOPMed 0.00003; gnomAD 0.00009.
gnomAD v4.1: 142 of 1,614,068 alleles (0.0088%); highest among the groups gnomAD compares: Non-Finnish European, 0.011%; no homozygotes.

Submissions (6):

St. Jude Molecular Pathology, St. Jude Children's Research Hospital
Classification: Uncertain significance for Cohen syndrome. Last evaluated: 2026-02-11. Review status: criteria provided, single submitter. Criteria: St. Jude Assertion Criteria 2020. Collection method: clinical testing. Allele origin: germline.
Comment: The VPS13B c.11885C>G p.(Pro3962Arg) missense change has a maximum subpopulation frequency of 0.004% in gnomAD v2.1.1. The in silico tool REVEL predicts a benign effect on protein function, but to our knowledge this prediction has not been confirmed by functional studies. To our knowledge, this variant has not been reported in individuals with Cohen syndrome. In summary, the evidence currently available is insufficient to determine the role of this variant in disease. It has therefore been classified as of uncertain significance.

PreventionGenetics, part of Exact Sciences
Classification: Uncertain significance for VPS13B-related condition. Last evaluated: 2026-02-09. Review status: criteria provided, single submitter. Criteria: ACMG Guidelines, 2015. Collection method: clinical testing. Allele origin: germline.
Comment: The VPS13B c.11885C>G variant is predicted to result in the amino acid substitution p.Pro3962Arg. This variant was reported in the heterozygous state in an individual with autism spectrum disorder, intellectual disability, and obesity (reported as p.P3987R in Patient #A619 in Tables 5 and S4, Koshimizu et al. 2013. PubMed ID: 24066114). This variant is reported in 0.0040% of alleles in individuals of African descent in gnomAD. At this time, the clinical significance of this variant is uncertain due to the absence of conclusive functional and genetic evidence.

Labcorp Genetics (formerly Invitae), Labcorp
Classification: Uncertain significance for Cohen syndrome. Last evaluated: 2024-11-11. Review status: criteria provided, single submitter. Criteria: Invitae Variant Classification Sherloc (09022015). Collection method: clinical testing. Allele origin: germline.
Comment: This sequence change replaces proline, which is neutral and non-polar, with arginine, which is basic and polar, at codon 3987 of the VPS13B protein (p.Pro3987Arg). This variant is present in population databases (rs531619892, gnomAD 0.004%). This variant has not been reported in the literature in individuals affected with VPS13B-related conditions. ClinVar contains an entry for this variant (Variation ID: 626049). Invitae Evidence Modeling of protein sequence and biophysical properties (such as structural, functional, and spatial information, amino acid conservation, physicochemical variation, residue mobility, and thermodynamic stability) indicates that this missense variant is not expected to disrupt VPS13B protein function with a negative predictive value of 80%. In summary, the available evidence is currently insufficient to determine the role of this variant in disease. Therefore, it has been classified as a Variant of Uncertain Significance.

Center for Genomics, Ann and Robert H. Lurie Children's Hospital of Chicago
Classification: Uncertain significance for Cohen syndrome. Last evaluated: 2021-03-30. Review status: criteria provided, single submitter. Criteria: ACMG Guidelines, 2015. Collection method: clinical testing. Allele origin: germline.
Comment: VPS13B NM_017890.4 exon62 p.Pro3987Arg (c.11960C>G): This variant has been reported in the literature in 1 individual with autism spectrum disorder (Koshimizu 2013 PMID:24066114). This variant is present in 0.004% (1/24968) of African alleles in the Genome Aggregation Database. Evolutionary conservation for this variant is unclear; computational predictive tools suggest that this variant may not impact the protein. In summary, data on this variant is insufficient for disease classification. Therefore, the clinical significance of this variant is uncertain.

Genetic Services Laboratory, University of Chicago
Classification: Uncertain significance. Last evaluated: 2018-02-08. Review status: criteria provided, single submitter. Criteria: ACMG Guidelines, 2015. Collection method: clinical testing. Allele origin: germline. Affected: no.

Natera, Inc.
Classification: Uncertain significance for Cohen syndrome. Last evaluated: 2020-02-05. Review status: no assertion criteria provided. Collection method: clinical testing. Allele origin: germline. Not counted in ClinVar's aggregate classification.